The following is an entry in ClinVar:

ClinVar aggregate classification (germline): Uncertain significance. Review status: criteria provided, multiple submitters, no conflicts (2 of 4 stars). 3 submissions from 3 submitters: Uncertain significance (3). Last evaluated 2025-01-22.

Conditions:
Hereditary nonpolyposis colorectal neoplasms. Identifiers: MedGen C0009405, MeSH D003123.
Hereditary cancer-predisposing syndrome. Also called: Neoplastic Syndromes, Hereditary; Tumor predisposition; Hereditary Cancer Syndrome; Hereditary neoplastic syndrome. Identifiers: Orphanet 140162, MedGen C0027672, MeSH D009386, MONDO:0015356.
Endometrial carcinoma. Also called: Endometrial carcinoma, somatic. Identifiers: MedGen C0476089, MONDO:0002447, OMIM 608089, HP:0012114.

Allele frequency attached by ClinVar (database versions not stated): gnomAD 0.00001; TOPMed 0.00001.

Submissions (3):

Labcorp Genetics (formerly Invitae), Labcorp
Classification: Uncertain significance for Hereditary nonpolyposis colorectal neoplasms. Last evaluated: 2025-01-22. Review status: criteria provided, single submitter. Criteria: Invitae Variant Classification Sherloc (09022015). Collection method: clinical testing. Allele origin: germline.
Comment: This sequence change replaces threonine, which is neutral and polar, with serine, which is neutral and polar, at codon 754 of the MSH6 protein (p.Thr754Ser). This variant is not present in population databases (gnomAD no frequency). This variant has not been reported in the literature in individuals affected with MSH6-related conditions. ClinVar contains an entry for this variant (Variation ID: 233251). Invitae Evidence Modeling of protein sequence and biophysical properties (such as structural, functional, and spatial information, amino acid conservation, physicochemical variation, residue mobility, and thermodynamic stability) indicates that this missense variant is not expected to disrupt MSH6 protein function with a negative predictive value of 95%. In summary, the available evidence is currently insufficient to determine the role of this variant in disease. Therefore, it has been classified as a Variant of Uncertain Significance.

Baylor Genetics
Classification: Uncertain significance for Endometrial carcinoma. Last evaluated: 2023-09-23. Review status: criteria provided, single submitter. Criteria: ACMG Guidelines, 2015. Collection method: clinical testing. Allele origin: unknown.

Ambry Genetics
Classification: Uncertain significance for Hereditary cancer-predisposing syndrome. Last evaluated: 2022-03-14. Review status: criteria provided, single submitter. Criteria: Ambry Variant Classification Scheme 2023. Collection method: clinical testing. Allele origin: germline.
Comment: The p.T754S variant (also known as c.2260A>T), located in coding exon 4 of the MSH6 gene, results from an A to T substitution at nucleotide position 2260. The threonine at codon 754 is replaced by serine, an amino acid with similar properties. This amino acid position is not well conserved in available vertebrate species. In addition, this alteration is predicted to be tolerated by in silico analysis. Since supporting evidence is limited at this time, the clinical significance of this alteration remains unclear.

NM_000179.3(MSH6):c.2260A>T (p.Thr754Ser)

Gene: MSH6 (mutS homolog 6; plus strand). Cytogenetic location: 2p16.3.
Variant type: single nucleotide variant.
Coding change: c.2260A>T on transcript NM_000179.3 (MANE Select); coding-DNA position 2260, A replaced by T.
Protein change: p.Thr754Ser; replaces threonine 754 with serine.
Molecular consequence: missense variant.
Genome position (GRCh38, 1-based): chr2:47,800,243, A>T. VCF-style: chr2-47800243-A-T. GRCh37 (hg19) VCF-style: chr2-48027382-A-T.
Other names: c.1870A>T, p.Thr624Ser (NM_001281492.2); c.1354A>T, p.Thr452Ser (NM_001281493.2, NM_001281494.2); short protein forms T754S, T624S, T452S.
Identifiers: ClinVar variation 233251 (VCV000233251.11), dbSNP rs545057945, ClinGen allele CA10578103.